The following is an entry in ClinVar:

ClinVar aggregate classification (germline): Conflicting classifications of pathogenicity. Review status: criteria provided, conflicting classifications (1 of 4 stars). 5 submissions from 5 submitters: Pathogenic (1); Likely pathogenic (2); Uncertain significance (2). Last evaluated 2025-06-25.

Conditions:
Early-infantile DEE. Also called: Ohtahara syndrome; Early infantile epileptic encephalopathy; Early infantile epileptic encephalopathy with suppression bursts. Identifiers: Orphanet 1934, MedGen C0393706, MONDO:0800491.
SCN1A-related disorder. Also called: SCN1A-related conditions; SCN1A-related condition; SCN1A-related disorders.
Severe myoclonic epilepsy in infancy (DRVT). Also called: Dravet syndrome; SEVERE MYOCLONIC EPILEPSY OF INFANCY; DEVELOPMENTAL AND EPILEPTIC ENCEPHALOPATHY 6A; Epileptic encephalopathy, early infantile, 6 (Dravet syndrome); Severe Myoclonic Epilepsy in Infancy (SMEI). Identifiers: Orphanet 33069, MedGen C0751122, MONDO:0100135, OMIM 607208.

Submissions (5):

GeneDx
Classification: Pathogenic. Last evaluated: 2025-06-25. Review status: criteria provided, single submitter. Criteria: GeneDx Variant Classification Process June 2021. Collection method: clinical testing. Allele origin: germline. Affected: yes.
Comment: Reported in association with seizures and developmental delay (PMID: 31487502); Not observed at significant frequency in large population cohorts (gnomAD); This variant is associated with the following publications: (PMID: 29655203, 31487502)

Department of Neurology, Zibo Changguo Hospital
Classification: Likely pathogenic for Severe myoclonic epilepsy in infancy. Last evaluated: 2025-01-09. Review status: criteria provided, single submitter. Criteria: ACMG Guidelines, 2015. Collection method: clinical testing. Allele origin: de novo. Inheritance: Autosomal dominant inheritance. Affected: yes.
Comment: PS2, PS4_Supporting, PM2_Supporting

Revvity Omics, Revvity
Classification: Uncertain significance. Last evaluated: 2024-03-22. Review status: criteria provided, single submitter. Criteria: ACMG Guidelines, 2015. Collection method: clinical testing. Allele origin: germline.

Blueprint Genetics
Classification: Likely pathogenic for SCN1A-related disorders. Last evaluated: 2023-10-20. Review status: criteria provided, single submitter. Criteria: ACMG Guidelines, 2015. Collection method: clinical testing. Allele origin: germline. Affected: yes. Observed: 2 variant alleles.

Labcorp Genetics (formerly Invitae), Labcorp
Classification: Uncertain significance for Early-infantile DEE. Last evaluated: 2022-01-03. Review status: criteria provided, single submitter. Criteria: Invitae Variant Classification Sherloc (09022015). Collection method: clinical testing. Allele origin: germline.
Comment: This sequence change affects codon 1143 of the SCN1A mRNA. It is a 'silent' change, meaning that it does not change the encoded amino acid sequence of the SCN1A protein. This variant also falls at the last nucleotide of exon 16, which is part of the consensus splice site for this exon. In summary, the available evidence is currently insufficient to determine the role of this variant in disease. Therefore, it has been classified as a Variant of Uncertain Significance. Variants that disrupt the consensus splice site are a relatively common cause of aberrant splicing (PMID: 17576681, 9536098). Algorithms developed to predict the effect of sequence changes on RNA splicing suggest that this variant may disrupt the consensus splice site. ClinVar contains an entry for this variant (Variation ID: 206799). This variant has been observed in individual(s) with clinical features of SCN1A-related disease and/or epilepsy and neurodevelopmental disorder (PMID: 29655203, 31487502). This variant is not present in population databases (gnomAD no frequency).

Literature cited by the submitters: PubMed 17576681 (cited by Labcorp Genetics (formerly Invitae), Labcorp); PubMed 9536098 (cited by Labcorp Genetics (formerly Invitae), Labcorp); PubMed 29655203 (cited by Labcorp Genetics (formerly Invitae), Labcorp); PubMed 31487502 (cited by Labcorp Genetics (formerly Invitae), Labcorp).

NM_001165963.4(SCN1A):c.3429G>A (p.Glu1143=)

Genes: SCN1A (sodium voltage-gated channel alpha subunit 1; minus strand), LOC102724058 (uncharacterized LOC102724058; plus strand). Cytogenetic location: 2q24.3.
Variant type: single nucleotide variant.
Coding change: c.3429G>A on transcript NM_001165963.4 (MANE Select); coding-DNA position 3429, G replaced by A.
Protein change: p.Glu1143=; no amino-acid change (glutamic acid 1143 retained).
Molecular consequence: synonymous variant. On other transcripts: non-coding transcript variant (1).
Genome position (GRCh38, 1-based): chr2:166,036,048, C>T on the plus strand (G>A on the coding strand, the complement: SCN1A is on the minus strand). VCF-style: chr2-166036048-C-T. GRCh37 (hg19) VCF-style: chr2-166892558-C-T.
Other names: p.E1143E:GAG>GAA; c.3345G>A, p.Glu1115= (NM_001165964.3, NM_001353957.2, NM_001353958.2); c.3429G>A, p.Glu1143= (NM_001202435.3, NM_001353948.2); c.3396G>A, p.Glu1132= (NM_001353949.2, NM_001353950.2, NM_001353951.2 and 2 more transcripts); c.3393G>A, p.Glu1131= (NM_001353954.2, NM_001353955.2); c.3342G>A, p.Glu1114= (NM_001353960.2); c.987G>A, p.Glu329= (NM_001353961.2); c.3429G>A (NM_001165963.3).
Identifiers: ClinVar variation 206799 (VCV000206799.19), dbSNP rs796052994, ClinGen allele CA317359.
Genomic context (GRCh38, chr2:166,036,048, plus strand): 5'-ATGTGTGTATATGTATATATGTATATGTATTCATACCTTCCCACACCTATAGAATCTTAC[C>T]TCTTTGCTTTCTTCCAGATCCGATTCACTACTAAAGTCTTCCGTGTTTAAATTTTCAAAG-3'
Protein context (NP_001159435.1, residues 1133-1153): SSESDLEESK[Glu1143=]KLNESSSSSE